The following is an entry in ClinVar:

NM_052989.3(IFT122):c.1522A>G (p.Ile508Val)

Gene: IFT122 (intraflagellar transport 122; plus strand). Cytogenetic location: 3q21.3.
Variant type: single nucleotide variant.
Coding change: c.1522A>G on transcript NM_052989.3 (MANE Select); coding-DNA position 1522, A replaced by G.
Protein change: p.Ile508Val; replaces isoleucine 508 with valine.
Molecular consequence: missense variant.
Genome position (GRCh38, 1-based): chr3:129,481,563, A>G. VCF-style: chr3-129481563-A-G. GRCh37 (hg19) VCF-style: chr3-129200406-A-G.
Other names: c.1189A>G, p.Ile397Val (NM_001410815.1, NM_001410817.1, NM_001438041.1 and 1 more transcripts); c.1366A>G, p.Ile456Val (NM_001438637.1, NM_001438638.1, NM_001438639.1 and 1 more transcripts); c.1345A>G, p.Ile449Val (NM_018262.4, NM_001410810.1, NM_001410811.1 and 1 more transcripts); c.1675A>G, p.Ile559Val (NM_052985.4); c.1498A>G, p.Ile500Val (NM_001280541.2); c.1072A>G, p.Ile358Val (NM_001280545.2); c.895A>G, p.Ile299Val (NM_001280546.2); c.1522A>G, p.Ile508Val (NM_001410808.1, NM_001410809.1); short protein forms I508V, I299V, I397V, I500V, I358V, I449V, I456V, I559V.
Identifiers: ClinVar variation 4700438 (VCV004700438.1).

ClinVar aggregate classification (germline): Uncertain significance (1 of 4 stars; one submission).

Conditions:
Cranioectodermal dysplasia 1 (CED1). Also called: LEVIN SYNDROME I. Identifiers: Orphanet 1515, MedGen C0432235, MONDO:0021093, OMIM 218330.

gnomAD v4.1: 3 of 1,588,428 alleles (0.00019%); highest among the groups gnomAD compares: East Asian, 0.0045%; no homozygotes.

Submission:

Labcorp Genetics (formerly Invitae), Labcorp
Classification: Uncertain significance for Cranioectodermal dysplasia 1. Last evaluated: 2025-06-12. Review status: criteria provided, single submitter. Criteria: Invitae Variant Classification Sherloc (09022015). Collection method: clinical testing. Allele origin: germline.
Comment: This sequence change replaces isoleucine, which is neutral and non-polar, with valine, which is neutral and non-polar, at codon 559 of the IFT122 protein (p.Ile559Val). This variant is not present in population databases (gnomAD no frequency). This variant has not been reported in the literature in individuals affected with IFT122-related conditions. Invitae Evidence Modeling of protein sequence and biophysical properties (such as structural, functional, and spatial information, amino acid conservation, physicochemical variation, residue mobility, and thermodynamic stability) indicates that this missense variant is not expected to disrupt IFT122 protein function with a negative predictive value of 80%. In summary, the available evidence is currently insufficient to determine the role of this variant in disease. Therefore, it has been classified as a Variant of Uncertain Significance.